The following is an entry in ClinVar:

NM_003036.4(SKI):c.28T>G (p.Cys10Gly)

Gene: SKI (SKI proto-oncogene; plus strand). Cytogenetic location: 1p36.33.
Variant type: single nucleotide variant.
Coding change: c.28T>G on transcript NM_003036.4 (MANE Select); coding-DNA position 28, T replaced by G.
Protein change: p.Cys10Gly; replaces cysteine 10 with glycine.
Molecular consequence: missense variant.
Genome position (GRCh38, 1-based): chr1:2,228,794, T>G. VCF-style: chr1-2228794-T-G. GRCh37 (hg19) VCF-style: chr1-2160233-T-G.
Other names: p.Cys10Gly; short protein forms C10G.
Identifiers: ClinVar variation 1797438 (VCV001797438.6), dbSNP rs1188688992, ClinGen allele CA337951929.
Genomic context (GRCh38, chr1:2,228,794, plus strand): 5'-GAGCGGGAGCGGCCGGGGGAGCCGGAGCGCACCATGGAGGCGGCGGCAGGCGGCCGCGGC[T>G]GTTTCCAGCCGCACCCGGGGCTGCAGAAGACGCTGGAGCAGTTCCACCTGAGCTCCATGA-3'
Protein context (NP_003027.1, residues 1-20): MEAAAGGRG[Cys10Gly]FQPHPGLQKT

ClinVar aggregate classification (germline): Conflicting classifications of pathogenicity. Review status: criteria provided, conflicting classifications (1 of 4 stars). 3 submissions from 3 submitters: Uncertain significance (2); Likely benign (1). Last evaluated 2026-06-10.

Conditions:
Familial thoracic aortic aneurysm and aortic dissection (TAAD). Also called: Thoracic aortic aneurysms and dissections. Identifiers: Orphanet 91387, MedGen C4707243, MONDO:0019625.
Shprintzen-Goldberg syndrome (SGS). Also called: SHPRINTZEN-GOLDBERG CRANIOSYNOSTOSIS SYNDROME; CRANIOSYNOSTOSIS WITH ARACHNODACTYLY AND ABDOMINAL HERNIAS; Marfanoid disorder with craniosynostosis type 1; Marfanoid craniosynostosis syndrome; Shprintzen-Goldberg marfanoid syndrome. Identifiers: Orphanet 2462, MedGen C1321551, MONDO:0008426, OMIM 182212.

Allele frequency attached by ClinVar (database versions not stated): gnomAD exomes 0.00002; gnomAD 0.00001.
gnomAD v4.1: 8 of 1,315,940 alleles (0.00061%); highest among the groups gnomAD compares: Non-Finnish European, 0.00069%; no homozygotes.

Submissions (3):

Ambry Genetics
Classification: Likely benign for Familial thoracic aortic aneurysm and aortic dissection. Last evaluated: 2026-06-10. Review status: criteria provided, single submitter. Criteria: Ambry Variant Classification Scheme 2023. Collection method: clinical testing. Allele origin: germline.

Labcorp Genetics (formerly Invitae), Labcorp
Classification: Uncertain significance for Shprintzen-Goldberg syndrome. Last evaluated: 2025-06-25. Review status: criteria provided, single submitter. Criteria: Invitae Variant Classification Sherloc (09022015). Collection method: clinical testing. Allele origin: germline.
Comment: This sequence change replaces cysteine, which is neutral and slightly polar, with glycine, which is neutral and non-polar, at codon 10 of the SKI protein (p.Cys10Gly). This variant is present in population databases (no rsID available, gnomAD 0.003%). This missense change has been observed in individual(s) with clinical features of SKI-related conditions (PMID: 35830949). ClinVar contains an entry for this variant (Variation ID: 1797438). Invitae Evidence Modeling of protein sequence and biophysical properties (such as structural, functional, and spatial information, amino acid conservation, physicochemical variation, residue mobility, and thermodynamic stability) indicates that this missense variant is not expected to disrupt SKI protein function with a negative predictive value of 95%. In summary, the available evidence is currently insufficient to determine the role of this variant in disease. Therefore, it has been classified as a Variant of Uncertain Significance.

Mayo Clinic Laboratories, Mayo Clinic
Classification: Uncertain significance. Last evaluated: 2023-09-12. Review status: criteria provided, single submitter. Criteria: ACMG Guidelines, 2015. Collection method: clinical testing. Allele origin: germline. Observed: 1 variant allele.
Comment: BP4_strong

Literature cited by the submitters: PubMed 35830949 (cited by Labcorp Genetics (formerly Invitae), Labcorp and Mayo Clinic Laboratories, Mayo Clinic).